The following is an entry in ClinVar:

ClinVar aggregate classification (germline): Uncertain significance. Review status: criteria provided, multiple submitters, no conflicts (2 of 4 stars). 2 submissions from 2 submitters: Uncertain significance (2). Last evaluated 2025-02-12.

Conditions:
Inborn genetic diseases. Identifiers: MedGen C0950123, MeSH D030342.
Deafness-lymphedema-leukemia syndrome. Also called: Lymphedema, primary, with myelodysplasia; Emberger syndrome. Identifiers: Orphanet 3226, MedGen C3279664, MONDO:0013540, OMIM 614038.
Monocytopenia with susceptibility to infections. Also called: Dendritic cell, monocyte, B lymphocyte, and natural killer lymphocyte deficiency; MONOCYTOPENIA AND MYCOBACTERIAL INFECTION SYNDROME; MONOCYTOPENIA WITH SUSCEPTIBILITY TO MYCOBACTERIAL, FUNGAL, AND PAPILLOMAVIRUS INFECTIONS AND MYELODYSPLASIA; COMBINED IMMUNODEFICIENCY WITH SUSCEPTIBILITY TO MYCOBACTERIAL, VIRAL, AND FUNGAL INFECTIONS; IMMUNODEFICIENCY 21; GATA2 DEFICIENCY. Identifiers: Orphanet 228423, MedGen C3280030, MONDO:0013607, OMIM 614172.

gnomAD v4.1: 5 of 1,614,238 alleles (0.00031%); highest among the groups gnomAD compares: Non-Finnish European, 0.00042%; no homozygotes.

Submissions (2):

Ambry Genetics
Classification: Uncertain significance for Inborn genetic diseases. Last evaluated: 2025-02-12. Review status: criteria provided, single submitter. Criteria: Ambry Variant Classification Scheme 2023. Collection method: clinical testing. Allele origin: germline.
Comment: The p.S429N variant (also known as c.1286G>A), located in coding exon 5 of the GATA2 gene, results from a G to A substitution at nucleotide position 1286. The serine at codon 429 is replaced by asparagine, an amino acid with highly similar properties. This amino acid position is well conserved in available vertebrate species. In addition, the in silico prediction for this alteration is inconclusive. Based on the available evidence, the clinical significance of this variant remains unclear.

Labcorp Genetics (formerly Invitae), Labcorp
Classification: Uncertain significance for Monocytopenia with susceptibility to infections; Deafness-lymphedema-leukemia syndrome. Last evaluated: 2023-06-27. Review status: criteria provided, single submitter. Criteria: Invitae Variant Classification Sherloc (09022015). Collection method: clinical testing. Allele origin: germline.
Comment: This sequence change replaces serine, which is neutral and polar, with asparagine, which is neutral and polar, at codon 429 of the GATA2 protein (p.Ser429Asn). This variant is not present in population databases (gnomAD no frequency). This variant has not been reported in the literature in individuals affected with GATA2-related conditions. ClinVar contains an entry for this variant (Variation ID: 854262). Advanced modeling of protein sequence and biophysical properties (such as structural, functional, and spatial information, amino acid conservation, physicochemical variation, residue mobility, and thermodynamic stability) has been performed at Invitae for this missense variant, however the output from this modeling did not meet the statistical confidence thresholds required to predict the impact of this variant on GATA2 protein function. In summary, the available evidence is currently insufficient to determine the role of this variant in disease. Therefore, it has been classified as a Variant of Uncertain Significance.

NM_032638.5(GATA2):c.1286G>A (p.Ser429Asn)

Gene: GATA2 (GATA binding protein 2; minus strand). Cytogenetic location: 3q21.3.
Variant type: single nucleotide variant.
Coding change: c.1286G>A on transcript NM_032638.5 (MANE Select); coding-DNA position 1286, G replaced by A.
Protein change: p.Ser429Asn; replaces serine 429 with asparagine.
Molecular consequence: missense variant.
Genome position (GRCh38, 1-based): chr3:128,481,176, C>T on the plus strand (G>A on the coding strand, the complement: GATA2 is on the minus strand). VCF-style: chr3-128481176-C-T. GRCh37 (hg19) VCF-style: chr3-128200019-C-T.
Other names: c.1286G>A, p.Ser429Asn (NM_001145661.2); c.1244G>A, p.Ser415Asn (NM_001145662.1); short protein forms S429N, S415N.
Identifiers: ClinVar variation 854262 (VCV000854262.11), dbSNP rs201155045, ClinGen allele CA354412856.
Genomic context (GRCh38, chr3:128,481,176, plus strand): 5'-GAGTGGCTGAAGGGCGGGAGGTGGCCCACAGGTGCCATGTGTCCAGCCAGGGCAGCTGCA[C>T]TGAAGGGGGATGACTTCTCCTGCATGCACTTTGACAGCTCCTCGAAGCACTCCGCCCCTT-3'
Protein context (NP_116027.2, residues 419-439): KCMQEKSSPF[Ser429Asn]AAALAGHMAP